The following is an entry in ClinVar:

NM_000018.4(ACADVL):c.879-1G>A

Gene: ACADVL (acyl-CoA dehydrogenase very long chain; plus strand). Cytogenetic location: 17p13.1.
Variant type: single nucleotide variant.
Coding change: c.879-1G>A on transcript NM_000018.4 (MANE Select); the canonical splice acceptor site of the intron before coding-DNA position 879, G replaced by A.
Molecular consequence: splice acceptor variant.
Genome position (GRCh38, 1-based): chr17:7,222,666, G>A. VCF-style: chr17-7222666-G-A. GRCh37 (hg19) VCF-style: chr17-7125985-G-A.
Other names: c.948-1G>A (NM_001270447.2); c.651-1G>A (NM_001270448.2); c.813-1G>A (NM_001033859.3).
Identifiers: ClinVar variation 940170 (VCV000940170.8), dbSNP rs2071286572, ClinGen allele CA397723884.
Genomic context (GRCh38, chr17:7,222,666, plus strand): 5'-TTTTTCCCCCAGTGACAACCTGTTGAACACACCTCTGCTTTCCCACACTGCCCTGACACA[G>A]TGGGCCCCCTGAGAAGAAGATGGGCATCAAGGCTTCAAACACAGCAGAGGTGTTCTTTGA-3'

ClinVar aggregate classification (germline): Likely pathogenic (1 of 4 stars; one submission).

Conditions:
Very long chain acyl-CoA dehydrogenase deficiency (ACADVLD). Also called: VLCAD Deficiency; Very Long-Chain Acyl-Coenzyme A Dehydrogenase Deficiency. Identifiers: Orphanet 26793, MedGen C3887523, MONDO:0008723, OMIM 201475.

Submission:

Labcorp Genetics (formerly Invitae), Labcorp
Classification: Likely pathogenic for Very long chain acyl-CoA dehydrogenase deficiency. Last evaluated: 2019-06-16. Review status: criteria provided, single submitter. Criteria: Invitae Variant Classification Sherloc (09022015). Collection method: clinical testing. Allele origin: germline.
Comment: This sequence change affects an acceptor splice site in intron 9 of the ACADVL gene. It is expected to disrupt RNA splicing and likely results in an absent or disrupted protein product. This variant is not present in population databases (ExAC no frequency). This variant has not been reported in the literature in individuals with ACADVL-related conditions. Algorithms developed to predict the effect of sequence changes on RNA splicing suggest that this variant may disrupt the consensus splice site, but this prediction has not been confirmed by published transcriptional studies. Donor and acceptor splice site variants typically lead to a loss of protein function (PMID: 16199547), and loss-of-function variants in ACADVL are known to be pathogenic (PMID: 9973285, 11590124). In summary, the currently available evidence indicates that the variant is pathogenic, but additional data are needed to prove that conclusively. Therefore, this variant has been classified as Likely Pathogenic.

Literature cited by the submitters: PubMed 16199547; PubMed 9973285; PubMed 11590124.